The following is an entry in ClinVar:

NM_001382273.1(TNK2):c.1610G>T (p.Ser537Ile)

Gene: TNK2 (tyrosine kinase non receptor 2; minus strand). Cytogenetic location: 3q29.
Variant type: single nucleotide variant.
Coding change: c.1610G>T on transcript NM_001382273.1 (MANE Select); coding-DNA position 1610, G replaced by T.
Protein change: p.Ser537Ile; replaces serine 537 with isoleucine.
Molecular consequence: missense variant. On other transcripts: non-coding transcript variant (15).
Genome position (GRCh38, 1-based): chr3:195,868,688, C>A on the plus strand (G>T on the coding strand, the complement: TNK2 is on the minus strand). VCF-style: chr3-195868688-C-A. GRCh37 (hg19) VCF-style: chr3-195595559-C-A.
Other names: c.1682G>T, p.Ser561Ile (NM_001010938.2, NM_001382272.1); c.1661G>T, p.Ser554Ile (NM_001308046.2, NM_001382271.1); c.1565G>T, p.Ser522Ile (NM_001387712.1, NM_001387713.1, NM_001387714.1 and 8 more transcripts); c.1637G>T, p.Ser546Ile (NM_001387715.1, NM_001387708.1); c.1610G>T, p.Ser537Ile (NM_001387716.1, NM_001387717.1, NM_001387718.1 and 1 more transcripts); c.1706G>T, p.Ser569Ile (NM_001382275.1, NM_001387707.1); c.1565G>T (NM_005781.4); short protein forms S522I, S554I, S546I, S561I, S537I, S569I.
Identifiers: ClinVar variation 1404162 (VCV001404162.12), dbSNP rs143787673, ClinGen allele CA2776258.
Genomic context (GRCh38, chr3:195,868,688, plus strand): 5'-AGGCCTGGCTTCCGCAGGCCCAGCCTCTTGAAGTCGCTGGACAAGGGGTCTTGGTCCTCG[C>A]TCACAGGGTCATAGGTTGGTTCTGTGATGGAAAGGGAGAGCCCAACAGGAAGGCAGTCAG-3'
Protein context (NP_001369202.1, residues 527-547): FTQKPTYDPV[Ser537Ile]EDQDPLSSDF

ClinVar aggregate classification (germline): Uncertain significance. Review status: criteria provided, multiple submitters, no conflicts (2 of 4 stars). 4 submissions from 4 submitters: Uncertain significance (3). 1 of the submissions does not count toward it. Last evaluated 2025-09-21.

Conditions:
TNK2-related disorder. Also called: TNK2-related condition.

Allele frequency attached by ClinVar (database versions not stated): TOPMed 0.00084; ExAC 0.00100; gnomAD 0.00101 and 0.00098; 1000 Genomes Project 0.00060; gnomAD exomes 0.00099; 1000 Genomes Project 30x 0.00078; ESP Exome Variant Server 0.00135.
gnomAD v4.1: 2,498 of 1,590,014 alleles (0.16%); highest among the groups gnomAD compares: Non-Finnish European, 0.19%; 5 homozygotes.

Submissions (4):

Labcorp Genetics (formerly Invitae), Labcorp
Classification: Uncertain significance. Last evaluated: 2025-09-21. Review status: criteria provided, single submitter. Criteria: Invitae Variant Classification Sherloc (09022015). Collection method: clinical testing. Allele origin: germline.
Comment: This sequence change replaces serine, which is neutral and polar, with isoleucine, which is neutral and non-polar, at codon 600 of the TNK2 protein (p.Ser600Ile). This variant is present in population databases (rs143787673, gnomAD 0.2%), and has an allele count higher than expected for a pathogenic variant. This variant has not been reported in the literature in individuals affected with TNK2-related conditions. ClinVar contains an entry for this variant (Variation ID: 1404162). An algorithm developed to predict the effect of missense changes on protein structure and function (PolyPhen-2) suggests that this variant is likely to be tolerated. In summary, the available evidence is currently insufficient to determine the role of this variant in disease. Therefore, it has been classified as a Variant of Uncertain Significance.

Department of Pathology and Laboratory Medicine, Sinai Health System
Classification: Uncertain significance for TNK2-related disorder. Last evaluated: 2022-11-11. Review status: criteria provided, single submitter. Criteria: ACMG Guidelines, 2015. Collection method: research. Allele origin: germline.

Breakthrough Genomics
Classification: Uncertain significance. Review status: criteria provided, single submitter. Criteria: ACMG Guidelines, 2015. Collection method: not provided. Allele origin: germline. Inheritance: Unknown mechanism. Affected: yes.

PreventionGenetics, part of Exact Sciences
Classification: Likely benign for TNK2-related condition. Last evaluated: 2023-02-01. Review status: no assertion criteria provided. Collection method: clinical testing. Allele origin: germline. Not counted in ClinVar's aggregate classification.
Comment: This variant is classified as likely benign based on ACMG/AMP sequence variant interpretation guidelines (Richards et al. 2015 PMID: 25741868, with internal and published modifications).